The following is an entry in ClinVar:

ClinVar aggregate classification (germline): Uncertain significance (1 of 4 stars; one submission).

gnomAD v4.1: 4 of 1,612,266 alleles (0.00025%); highest among the groups gnomAD compares: African/African-American, 0.0013%; no homozygotes.

Submission:

Mayo Clinic Laboratories, Mayo Clinic
Classification: Uncertain significance. Last evaluated: 2025-05-05. Review status: criteria provided, single submitter. Criteria: ACMG Guidelines, 2015. Collection method: clinical testing. Allele origin: germline. Observed: 1 variant allele.
Comment: BP4

NM_001267550.2(TTN):c.39884C>T (p.Pro13295Leu)

Gene: TTN (titin; minus strand). Cytogenetic location: 2q31.2.
Variant type: single nucleotide variant.
Coding change: c.39884C>T on transcript NM_001267550.2 (MANE Select); coding-DNA position 39884, C replaced by T.
Protein change: p.Pro13295Leu; replaces proline 13295 with leucine.
Molecular consequence: missense variant. On other transcripts: intron variant (3).
Genome position (GRCh38, 1-based): chr2:178,649,828, G>A on the plus strand (C>T on the coding strand, the complement: TTN is on the minus strand). VCF-style: chr2-178649828-G-A. GRCh37 (hg19) VCF-style: chr2-179514555-G-A.
Other names: p.Pro10861Leu; c.35363C>T, p.Pro11788Leu (NM_001256850.1); c.32582C>T, p.Pro10861Leu (NM_133378.4); c.13283-7511C>T (NM_003319.4); c.13859-7511C>T (NM_133437.4); c.13658-7511C>T (NM_133432.3); short protein forms P13295L, P10861L, P11788L.
Identifiers: ClinVar variation 4540741 (VCV004540741.1).